The following is an entry in ClinVar:

NM_002863.5(PYGL):c.603G>T (p.Val201=)

Gene: PYGL (glycogen phosphorylase L; minus strand). Cytogenetic location: 14q22.1.
Variant type: single nucleotide variant.
Coding change: c.603G>T on transcript NM_002863.5 (MANE Select); coding-DNA position 603, G replaced by T.
Protein change: p.Val201=; no amino-acid change (valine 201 retained).
Molecular consequence: synonymous variant.
Genome position (GRCh38, 1-based): chr14:50,924,026, C>A on the plus strand (G>T on the coding strand, the complement: PYGL is on the minus strand). VCF-style: chr14-50924026-C-A. GRCh37 (hg19) VCF-style: chr14-51390744-C-A.
Other names: c.501G>T, p.Val167= (NM_001163940.2).
Identifiers: ClinVar variation 313332 (VCV000313332.45), dbSNP rs138364932, ClinGen allele CA7183753.

ClinVar aggregate classification (germline): Conflicting classifications of pathogenicity. Review status: criteria provided, conflicting classifications (1 of 4 stars). 6 submissions from 6 submitters: Uncertain significance (1); Likely benign (4). 1 of the submissions does not count toward it. Last evaluated 2026-09-01.

Conditions:
PYGL-related disorder. Also called: PYGL-related condition.
Glycogen storage disease, type VI (GSD6). Also called: Glycogen storage disease type 6, due to phosphorylation; GSD VI; Glycogen storage disease type 6; Hepatic glycogen phosphorylase deficiency; HERS DISEASE; PHOSPHORYLASE DEFICIENCY GLYCOGEN-STORAGE DISEASE OF LIVER. Identifiers: Orphanet 369, MedGen C0017925, MONDO:0009294, OMIM 232700.

Allele frequency attached by ClinVar (database versions not stated): 1000 Genomes Project 30x 0.00078; 1000 Genomes Project 0.00080; gnomAD 0.00108; TOPMed 0.00111; gnomAD exomes 0.00120; ExAC 0.00129; ESP Exome Variant Server 0.00177.
gnomAD v4.1: 3,044 of 1,613,832 alleles (0.19%); highest among the groups gnomAD compares: Non-Finnish European, 0.24%; 7 homozygotes.

Submissions (6):

CeGaT Center for Human Genetics Tuebingen
Classification: Likely benign. Last evaluated: 2026-09-01. Review status: criteria provided, single submitter. Criteria: CeGaT Center For Human Genetics Tuebingen Variant Classification Criteria Version 2. Collection method: clinical testing. Allele origin: germline. Affected: yes. Observed: 2 variant alleles.
Comment: PYGL: BP4, BP7

Labcorp Genetics (formerly Invitae), Labcorp
Classification: Likely benign for Glycogen storage disease, type VI. Last evaluated: 2026-01-09. Review status: criteria provided, single submitter. Criteria: Invitae Variant Classification Sherloc (09022015). Collection method: clinical testing. Allele origin: germline.

ARUP Laboratories, Molecular Genetics and Genomics, ARUP Laboratories
Classification: Likely benign for Glycogen storage disease, type VI. Last evaluated: 2025-03-13. Review status: criteria provided, single submitter. Criteria: ARUP Molecular Germline Variant Investigation Process 2024. Collection method: clinical testing. Allele origin: germline.

Blueprint Genetics
Classification: Likely benign. Last evaluated: 2024-10-17. Review status: criteria provided, single submitter. Criteria: ACMG Guidelines, 2015. Collection method: clinical testing. Allele origin: germline.

Illumina Laboratory Services, Illumina
Classification: Uncertain significance for Glycogen storage disease, type VI. Last evaluated: 2018-01-12. Review status: criteria provided, single submitter. Criteria: ICSL Variant Classification Criteria 13 December 2019. Collection method: clinical testing. Allele origin: germline.

PreventionGenetics, part of Exact Sciences
Classification: Likely benign for PYGL-related condition. Last evaluated: 2019-12-27. Review status: no assertion criteria provided. Collection method: clinical testing. Allele origin: germline. Not counted in ClinVar's aggregate classification.
Comment: This variant is classified as likely benign based on ACMG/AMP sequence variant interpretation guidelines (Richards et al. 2015 PMID: 25741868, with internal and published modifications).